The following is an entry in ClinVar:

NM_005862.3(STAG1):c.118C>T (p.Pro40Ser)

Gene: STAG1 (STAG1 cohesin complex component; minus strand). Cytogenetic location: 3q22.3.
Variant type: single nucleotide variant.
Coding change: c.118C>T on transcript NM_005862.3 (MANE Select); coding-DNA position 118, C replaced by T.
Protein change: p.Pro40Ser; replaces proline 40 with serine.
Molecular consequence: missense variant.
Genome position (GRCh38, 1-based): chr3:136,623,160, G>A on the plus strand (C>T on the coding strand, the complement: STAG1 is on the minus strand). VCF-style: chr3-136623160-G-A. GRCh37 (hg19) VCF-style: chr3-136342002-G-A.
Other names: short protein forms P40S.
Identifiers: ClinVar variation 3336363 (VCV003336363.1).

ClinVar aggregate classification (germline): Uncertain significance (1 of 4 stars; one submission).

Submission:

Women's Health and Genetics/Laboratory Corporation of America, LabCorp
Classification: Uncertain significance. Last evaluated: 2024-05-28. Review status: criteria provided, single submitter. Criteria: LabCorp Variant Classification Summary - May 2015. Collection method: clinical testing. Allele origin: germline.
Comment: Variant summary: STAG1 c.118C>T (p.Pro40Ser) results in a non-conservative amino acid change in the encoded protein sequence. Three of five in-silico tools predict a damaging effect of the variant on protein function. The variant was absent in 251022 control chromosomes. The available data on variant occurrences in the general population are insufficient to allow any conclusion about variant significance. To our knowledge, no occurrence of c.118C>T in individuals affected with Mental Retardation, Autosomal Dominant 47 and no experimental evidence demonstrating its impact on protein function have been reported. No submitters have cited clinical-significance assessments for this variant to ClinVar. Based on the evidence outlined above, the variant was classified as uncertain significance.